The following is an entry in ClinVar:

ClinVar aggregate classification (germline): Uncertain significance. Review status: criteria provided, multiple submitters, no conflicts (2 of 4 stars). 2 submissions from 2 submitters: Uncertain significance (2). Last evaluated 2025-12-23.

Conditions:
Leukocyte adhesion deficiency 1 (LAD1). Also called: LEUKOCYTE ADHESION DEFICIENCY, TYPE I; LAD 1; Lymphocyte function-associated antigen 1 immunodeficiency; LFA 1 immunodeficiency. Identifiers: Orphanet 2968, Orphanet 99842, MedGen C0398738, MONDO:0007293, OMIM 116920.

Allele frequency attached by ClinVar (database versions not stated): TOPMed 0.00001.
gnomAD v4.1: 8 of 1,613,566 alleles (0.0005%); highest among the groups gnomAD compares: Non-Finnish European, 0.00059%; no homozygotes.

Submissions (2):

Labcorp Genetics (formerly Invitae), Labcorp
Classification: Uncertain significance for Leukocyte adhesion deficiency 1. Last evaluated: 2025-12-23. Review status: criteria provided, single submitter. Criteria: Invitae Variant Classification Sherloc (09022015). Collection method: clinical testing. Allele origin: germline.
Comment: This sequence change replaces glycine, which is neutral and non-polar, with arginine, which is basic and polar, at codon 706 of the ITGB2 protein (p.Gly706Arg). This variant is not present in population databases (gnomAD no frequency). This variant has not been reported in the literature in individuals affected with ITGB2-related conditions. ClinVar contains an entry for this variant (Variation ID: 1163171). Invitae Evidence Modeling of protein sequence and biophysical properties (such as structural, functional, and spatial information, amino acid conservation, physicochemical variation, residue mobility, and thermodynamic stability) indicates that this missense variant is expected to disrupt ITGB2 protein function with a positive predictive value of 80%. In summary, the available evidence is currently insufficient to determine the role of this variant in disease. Therefore, it has been classified as a Variant of Uncertain Significance.

Mayo Clinic Laboratories, Mayo Clinic
Classification: Uncertain significance. Last evaluated: 2019-07-28. Review status: criteria provided, single submitter. Criteria: ACMG Guidelines, 2015. Collection method: clinical testing. Allele origin: germline. Observed: 1 variant allele.

NM_000211.5(ITGB2):c.2116G>A (p.Gly706Arg)

Gene: ITGB2 (integrin subunit beta 2; minus strand). Cytogenetic location: 21q22.3.
Variant type: single nucleotide variant.
Coding change: c.2116G>A on transcript NM_000211.5 (MANE Select); coding-DNA position 2116, G replaced by A.
Protein change: p.Gly706Arg; replaces glycine 706 with arginine.
Molecular consequence: missense variant.
Genome position (GRCh38, 1-based): chr21:44,886,867, C>T on the plus strand (G>A on the coding strand, the complement: ITGB2 is on the minus strand). VCF-style: chr21-44886867-C-T. GRCh37 (hg19) VCF-style: chr21-46306782-C-T.
Other names: c.2116G>A, p.Gly706Arg (NM_001127491.3); c.1909G>A, p.Gly637Arg (NM_001303238.2); short protein forms G637R, G706R.
Identifiers: ClinVar variation 1163171 (VCV001163171.12), dbSNP rs202203340, ClinGen allele CA321890875.
Genomic context (GRCh38, chr21:44,886,867, plus strand): 5'-GAGCCTTCCAGATGACCAGCAGGAGAATGCCGATCAGCACGATGCCTGCCACGGTGCCCC[C>T]GACGATGGCGGCGATGTTGGGGCCTGCCACACACTCTAGGGAAGAAGCAGCACACCTGAG-3'
Protein context (NP_000202.3, residues 696-716): VAGPNIAAIV[Gly706Arg]GTVAGIVLIG